The following is an entry in ClinVar:

ClinVar aggregate classification (germline): Uncertain significance (1 of 4 stars; one submission).

Submission:

GeneDx
Classification: Uncertain significance. Last evaluated: 2024-08-23. Review status: criteria provided, single submitter. Criteria: GeneDx Variant Classification Process June 2021. Collection method: clinical testing. Allele origin: germline. Affected: yes.
Comment: Not observed at significant frequency in large population cohorts (gnomAD); In silico analysis indicates that this missense variant does not alter protein structure/function; Has not been previously published as pathogenic or benign to our knowledge

NM_001003800.2(BICD2):c.1354C>A (p.Gln452Lys)

Gene: BICD2 (BICD cargo adaptor 2; minus strand). Cytogenetic location: 9q22.31.
Variant type: single nucleotide variant.
Coding change: c.1354C>A on transcript NM_001003800.2 (MANE Select); coding-DNA position 1354, C replaced by A.
Protein change: p.Gln452Lys; replaces glutamine 452 with lysine.
Molecular consequence: missense variant.
Genome position (GRCh38, 1-based): chr9:92,719,291, G>T on the plus strand (C>A on the coding strand, the complement: BICD2 is on the minus strand). VCF-style: chr9-92719291-G-T. GRCh37 (hg19) VCF-style: chr9-95481573-G-T.
Other names: c.1354C>A, p.Gln452Lys (NM_015250.4); short protein forms Q452K.
Identifiers: ClinVar variation 3766233 (VCV003766233.1).
Genomic context (GRCh38, chr9:92,719,291, plus strand): 5'-CCTTCTCCTCGGCGTGCTGGGCCTCACGAGCCTCGTGCGTGCTGCGCAGTGCCTTGAGCT[G>T]CTCGCGGAGCTCGCCAGCCTCAGCCACAGCCACATGGTACTTGCAGGCCAAGATCTCAGG-3'
Protein context (NP_001003800.1, residues 442-462): AVAEAGELRE[Gln452Lys]LKALRSTHEA